The following is an entry in ClinVar:

ClinVar aggregate classification (germline): Benign/Likely benign. Review status: criteria provided, multiple submitters, no conflicts (2 of 4 stars). 3 submissions from 3 submitters: Benign (2); Likely benign (1). Last evaluated 2024-07-10.

Conditions:
Inborn genetic diseases. Identifiers: MedGen C0950123, MeSH D030342.
X-linked agammaglobulinemia with growth hormone deficiency (IGHD3). Also called: Isolated growth hormone deficiency type 3; Growth hormone deficiency with hypogammaglobulinemia; ISOLATED GROWTH HORMONE DEFICIENCY, TYPE III, WITH AGAMMAGLOBULINEMIA; FLEISHER SYNDROME; AGAMMAGLOBULINEMIA AND ISOLATED GROWTH HORMONE DEFICIENCY, X-LINKED; HYPOGAMMAGLOBULINEMIA AND ISOLATED GROWTH HORMONE DEFICIENCY, X-LINKED. Identifiers: Orphanet 231692, Orphanet 631, MedGen C0472813, MONDO:0010615, OMIM 307200.

Allele frequency attached by ClinVar (database versions not stated): TOPMed 0.00001; gnomAD 0.00002; gnomAD exomes 0.00005 and 0.00011; ExAC 0.00014.
gnomAD v4.1: 54 of 1,204,595 alleles (0.0045%); highest among the groups gnomAD compares: South Asian, 0.092%; no homozygotes.

Submissions (3):

Women's Health and Genetics/Laboratory Corporation of America, LabCorp
Classification: Benign. Last evaluated: 2024-07-10. Review status: criteria provided, single submitter. Criteria: LabCorp Variant Classification Summary - May 2015. Collection method: clinical testing. Allele origin: germline.
Comment: Variant summary: BTK c.1104A>G (p.Gly368Gly) alters a non-conserved nucleotide located close to a canonical splice site and therefore could affect mRNA splicing, leading to a significantly altered protein sequence. Consensus agreement among computation tools predict no significant impact on normal splicing. However, these predictions have yet to be confirmed by functional studies. The variant allele was found at a frequency of 0.00011 in 183509 control chromosomes, predominantly at a frequency of 0.0011 within the South Asian subpopulation in the gnomAD database, including 10 hemizygotes. The occurrence in several hemizygotes suggests that this variant is likely not associated with a high penetrance, severe, early onset disease phenotype in hemizygous state. The variant, c.1104A>G, was listed to be found in a cohort of patients affected with (suspected) X-Linked Agammaglobulinemia (Rawat_2021), however no supportive evidence details were provided. This report does not provide unequivocal conclusions about association of the variant with X-Linked Agammaglobulinemia. To our knowledge, no experimental evidence demonstrating an impact on protein function has been reported. The following publication have been ascertained in the context of this evaluation (PMID: 33584693). ClinVar contains an entry for this variant (Variation ID: 1570224). Based on the evidence outlined above, the variant was classified as benign.

Ambry Genetics
Classification: Likely benign for Inborn genetic diseases. Last evaluated: 2024-06-04. Review status: criteria provided, single submitter. Criteria: Ambry Variant Classification Scheme 2023. Collection method: clinical testing. Allele origin: germline.

Labcorp Genetics (formerly Invitae), Labcorp
Classification: Benign for X-linked agammaglobulinemia with growth hormone deficiency. Last evaluated: 2024-04-25. Review status: criteria provided, single submitter. Criteria: Invitae Variant Classification Sherloc (09022015). Collection method: clinical testing. Allele origin: germline.

Literature cited by the submitters: PubMed 33584693 (cited by Women's Health and Genetics/Laboratory Corporation of America, LabCorp).

NM_000061.3(BTK):c.1104A>G (p.Gly368=)

Gene: BTK (Bruton tyrosine kinase; minus strand). Cytogenetic location: Xq22.1.
Variant type: single nucleotide variant.
Coding change: c.1104A>G on transcript NM_000061.3 (MANE Select); coding-DNA position 1104, A replaced by G.
Protein change: p.Gly368=; no amino-acid change (glycine 368 retained).
Molecular consequence: synonymous variant. On other transcripts: intron variant (1).
Genome position (GRCh38, 1-based): chrX:101,357,582, T>C on the plus strand (A>G on the coding strand, the complement: BTK is on the minus strand). VCF-style: chrX-101357582-T-C. GRCh37 (hg19) VCF-style: chrX-100612570-T-C.
Other names: c.1104A>G (NM_000061.2); c.1206A>G, p.Gly402= (NM_001287344.2); c.1038+792A>G (NM_001287345.2).
Identifiers: ClinVar variation 1570224 (VCV001570224.10), dbSNP rs781940603, ClinGen allele CA10473051.